The following is an entry in ClinVar:

ClinVar aggregate classification (germline): Uncertain significance (1 of 4 stars; one submission).

Conditions:
Alstrom syndrome (ALMS). Identifiers: Orphanet 64, MedGen C0268425, MONDO:0008763, OMIM 203800.

Submission:

Labcorp Genetics (formerly Invitae), Labcorp
Classification: Uncertain significance for Alstrom syndrome. Last evaluated: 2024-11-04. Review status: criteria provided, single submitter. Criteria: Invitae Variant Classification Sherloc (09022015). Collection method: clinical testing. Allele origin: germline.
Comment: This sequence change replaces valine, which is neutral and non-polar, with isoleucine, which is neutral and non-polar, at codon 285 of the ALMS1 protein (p.Val285Ile). This variant is not present in population databases (gnomAD no frequency). This variant has not been reported in the literature in individuals affected with ALMS1-related conditions. ClinVar contains an entry for this variant (Variation ID: 2806435). Experimental studies and prediction algorithms are not available or were not evaluated, and the functional significance of this variant is currently unknown. In summary, the available evidence is currently insufficient to determine the role of this variant in disease. Therefore, it has been classified as a Variant of Uncertain Significance.

NM_001378454.1(ALMS1):c.850G>A (p.Val284Ile)

Gene: ALMS1 (ALMS1 centrosome and basal body associated protein; plus strand). Cytogenetic location: 2p13.1.
Variant type: single nucleotide variant.
Coding change: c.850G>A on transcript NM_001378454.1 (MANE Select); coding-DNA position 850, G replaced by A.
Protein change: p.Val284Ile; replaces valine 284 with isoleucine.
Molecular consequence: missense variant.
Genome position (GRCh38, 1-based): chr2:73,424,515, G>A. VCF-style: chr2-73424515-G-A. GRCh37 (hg19) VCF-style: chr2-73651643-G-A.
Other names: c.853G>A, p.Val285Ile (NM_015120.4); short protein forms V284I, V285I.
Identifiers: ClinVar variation 2806435 (VCV002806435.3), dbSNP rs2466046064, ClinGen allele CA347260624.